The following is an entry in ClinVar:

ClinVar aggregate classification (germline): Uncertain significance. Review status: criteria provided, multiple submitters, no conflicts (2 of 4 stars). 3 submissions from 3 submitters: Uncertain significance (3). Last evaluated 2026-03-18.

Conditions:
Cardiovascular phenotype. Identifiers: MedGen CN230736.
Brugada syndrome 8 (BRGDA8). Identifiers: Orphanet 130, MedGen C2751083, MONDO:0013148, OMIM 613123.

Allele frequency attached by ClinVar (database versions not stated): gnomAD 0.00001; gnomAD exomes 0.00001; TOPMed 0.00001.
gnomAD v4.1: 6 of 1,612,962 alleles (0.00037%); highest among the groups gnomAD compares: Admixed American, 0.0067%; no homozygotes.

Submissions (3):

Women's Health and Genetics/Laboratory Corporation of America, LabCorp
Classification: Uncertain significance. Last evaluated: 2026-03-18. Review status: criteria provided, single submitter. Criteria: LabCorp Variant Classification Summary - May 2015. Collection method: clinical testing. Allele origin: germline.
Comment: Variant summary: HCN4 c.2092A>G (p.Met698Val) results in a conservative amino acid change in the encoded protein sequence. Algorithms developed to predict the effect of missense changes on protein structure and function are either unavailable or do not agree on the potential impact of this missense change. The variant allele was found at a frequency of 8e-06 in 251314 control chromosomes. The available data on variant occurrences in the general population are insufficient to allow any conclusion about variant significance. To our knowledge, no occurrence of c.2092A>G in individuals affected with HCN4-related conditions and no experimental evidence demonstrating its impact on protein function have been reported. ClinVar contains an entry for this variant (Variation ID: 519239). Based on the evidence outlined above, the variant was classified as uncertain significance.

Labcorp Genetics (formerly Invitae), Labcorp
Classification: Uncertain significance for Brugada syndrome 8. Last evaluated: 2024-02-27. Review status: criteria provided, single submitter. Criteria: Invitae Variant Classification Sherloc (09022015). Collection method: clinical testing. Allele origin: germline.
Comment: This sequence change replaces methionine, which is neutral and non-polar, with valine, which is neutral and non-polar, at codon 698 of the HCN4 protein (p.Met698Val). This variant is present in population databases (no rsID available, gnomAD 0.006%). This variant has not been reported in the literature in individuals affected with HCN4-related conditions. ClinVar contains an entry for this variant (Variation ID: 519239). Advanced modeling of protein sequence and biophysical properties (such as structural, functional, and spatial information, amino acid conservation, physicochemical variation, residue mobility, and thermodynamic stability) performed at Invitae indicates that this missense variant is not expected to disrupt HCN4 protein function with a negative predictive value of 80%. In summary, the available evidence is currently insufficient to determine the role of this variant in disease. Therefore, it has been classified as a Variant of Uncertain Significance.

Ambry Genetics
Classification: Uncertain significance for Cardiovascular phenotype. Last evaluated: 2016-05-17. Review status: criteria provided, single submitter. Criteria: Ambry Variant Classification Scheme 2023. Collection method: clinical testing. Allele origin: germline.
Comment: The p.M698V variant (also known as c.2092A>G), located in coding exon 7 of the HCN4 gene, results from an A to G substitution at nucleotide position 2092. The methionine at codon 698 is replaced by valine, an amino acid with highly similar properties. This variant was not reported in population based cohorts in the following databases: Database of Single Nucleotide Polymorphisms (dbSNP), NHLBI Exome Sequencing Project (ESP), and 1000 Genomes Project. In the ESP, this variant was not observed in 6495 samples (12990 alleles) with coverage at this position. This amino acid position is highly conserved in available vertebrate species. In addition, the in silico prediction for this alteration is inconclusive. Since supporting evidence is limited at this time, the clinical significance of this alteration remains unclear.

NM_005477.3(HCN4):c.2092A>G (p.Met698Val)

Gene: HCN4 (hyperpolarization activated cyclic nucleotide gated potassium channel 4; minus strand). Cytogenetic location: 15q24.1.
Variant type: single nucleotide variant.
Coding change: c.2092A>G on transcript NM_005477.3 (MANE Select); coding-DNA position 2092, A replaced by G.
Protein change: p.Met698Val; replaces methionine 698 with valine.
Molecular consequence: missense variant.
Genome position (GRCh38, 1-based): chr15:73,324,140, T>C on the plus strand (A>G on the coding strand, the complement: HCN4 is on the minus strand). VCF-style: chr15-73324140-T-C. GRCh37 (hg19) VCF-style: chr15-73616481-T-C.
Other names: short protein forms M698V.
Identifiers: ClinVar variation 519239 (VCV000519239.11), dbSNP rs1181444062, ClinGen allele CA393090018.